The following is an entry in ClinVar:

ClinVar aggregate classification (germline): Uncertain significance (1 of 4 stars; one submission).

Allele frequency attached by ClinVar (database versions not stated): ExAC 0.00001; gnomAD 0.00001; gnomAD exomes 0.00001; TOPMed 0.00002.
gnomAD v4.1: 4 of 1,603,308 alleles (0.00025%); highest among the groups gnomAD compares: Admixed American, 0.0068%; no homozygotes.

Submission:

Labcorp Genetics (formerly Invitae), Labcorp
Classification: Uncertain significance. Last evaluated: 2024-03-04. Review status: criteria provided, single submitter. Criteria: Invitae Variant Classification Sherloc (09022015). Collection method: clinical testing. Allele origin: germline.
Comment: This sequence change replaces proline, which is neutral and non-polar, with leucine, which is neutral and non-polar, at codon 759 of the SLC9A3 protein (p.Pro759Leu). This variant is present in population databases (rs778506774, gnomAD 0.009%). This variant has not been reported in the literature in individuals affected with SLC9A3-related conditions. ClinVar contains an entry for this variant (Variation ID: 1938106). Algorithms developed to predict the effect of missense changes on protein structure and function output the following: SIFT: "Not Available"; PolyPhen-2: "Benign"; Align-GVGD: "Not Available". The leucine amino acid residue is found in multiple mammalian species, which suggests that this missense change does not adversely affect protein function. In summary, the available evidence is currently insufficient to determine the role of this variant in disease. Therefore, it has been classified as a Variant of Uncertain Significance.

NM_004174.4(SLC9A3):c.2276C>T (p.Pro759Leu)

Genes: SLC9A3 (solute carrier family 9 member A3), SLC9A3-AS1 (SLC9A3 antisense RNA 1; plus strand). Cytogenetic location: 5p15.33.
Variant type: single nucleotide variant.
Coding change: c.2276C>T on transcript NM_004174.4 (MANE Select); coding-DNA position 2276, C replaced by T.
Protein change: p.Pro759Leu; replaces proline 759 with leucine.
Molecular consequence: missense variant.
Genome position (GRCh38, 1-based): chr5:475,108, G>A on the plus strand (C>T on the coding strand, the complement: SLC9A3 is on the minus strand). VCF-style: chr5-475108-G-A. GRCh37 (hg19) VCF-style: chr5-475223-G-A.
Other names: c.2249C>T, p.Pro750Leu (NM_001284351.3); short protein forms P759L, P750L.
Identifiers: ClinVar variation 1938106 (VCV001938106.5), dbSNP rs778506774, ClinGen allele CA3175495.